The following is an entry in ClinVar:

ClinVar aggregate classification (germline): Uncertain significance (1 of 4 stars; one submission).

Conditions:
Frontotemporal dementia and/or amyotrophic lateral sclerosis 1 (FTDALS1). Also called: Frontotemporal dementia with motor neuron disease 1; C9orf72 Frontotemporal Dementia and/or Amyotrophic Lateral Sclerosis. Identifiers: Orphanet 275872, MedGen C5779877, MONDO:0007105, OMIM 105550.
Paget disease of bone 2, early-onset (PDB2). Also called: Paget disease of bone 2. Identifiers: MedGen C4085251, MONDO:0011183, OMIM 602080.

gnomAD v4.1: 2 of 1,613,676 alleles (0.00012%); highest among the groups gnomAD compares: African/African-American, 0.0013%; no homozygotes.

Submission:

Labcorp Genetics (formerly Invitae), Labcorp
Classification: Uncertain significance for Paget disease of bone 2, early-onset; Frontotemporal dementia and/or amyotrophic lateral sclerosis 1. Last evaluated: 2024-12-02. Review status: criteria provided, single submitter. Criteria: Invitae Variant Classification Sherloc (09022015). Collection method: clinical testing. Allele origin: germline.
Comment: This sequence change replaces glutamic acid, which is acidic and polar, with aspartic acid, which is acidic and polar, at codon 301 of the SQSTM1 protein (p.Glu301Asp). This variant is not present in population databases (gnomAD no frequency). This variant has not been reported in the literature in individuals affected with SQSTM1-related conditions. Invitae Evidence Modeling of protein sequence and biophysical properties (such as structural, functional, and spatial information, amino acid conservation, physicochemical variation, residue mobility, and thermodynamic stability) indicates that this missense variant is not expected to disrupt SQSTM1 protein function with a negative predictive value of 80%. In summary, the available evidence is currently insufficient to determine the role of this variant in disease. Therefore, it has been classified as a Variant of Uncertain Significance.

NM_003900.5(SQSTM1):c.903G>C (p.Glu301Asp)

Gene: SQSTM1 (sequestosome 1; plus strand). Cytogenetic location: 5q35.3.
Variant type: single nucleotide variant.
Coding change: c.903G>C on transcript NM_003900.5 (MANE Select); coding-DNA position 903, G replaced by C.
Protein change: p.Glu301Asp; replaces glutamic acid 301 with aspartic acid.
Molecular consequence: missense variant.
Genome position (GRCh38, 1-based): chr5:179,833,180, G>C. VCF-style: chr5-179833180-G-C. GRCh37 (hg19) VCF-style: chr5-179260180-G-C.
Other names: c.651G>C, p.Glu217Asp (NM_001142298.2, NM_001142299.2); short protein forms E217D, E301D.
Identifiers: ClinVar variation 3752365 (VCV003752365.2).